The following is an entry in ClinVar:

NM_001079675.5(ETV4):c.523C>A (p.His175Asn)

Genes: DHX8 (DEAH-box helicase 8; plus strand), ETV4 (ETS variant transcription factor 4; minus strand). Cytogenetic location: 17q21.31.
Variant type: single nucleotide variant.
Coding change: c.523C>A on transcript NM_001079675.5 (MANE Select); coding-DNA position 523, C replaced by A.
Protein change: p.His175Asn; replaces histidine 175 with asparagine.
Molecular consequence: missense variant. On other transcripts: intron variant (1).
Genome position (GRCh38, 1-based): chr17:43,533,209, G>T on the plus strand (C>A on the coding strand, the complement: ETV4 is on the minus strand). VCF-style: chr17-43533209-G-T. GRCh37 (hg19) VCF-style: chr17-41610577-G-T.
Other names: c.406C>A, p.His136Asn (NM_001261437.3, NM_001261438.3); c.523C>A, p.His175Asn (NM_001369366.2, NM_001369368.2, NM_001986.4); c.520C>A, p.His174Asn (NM_001369367.2); c.3444-3203G>T (NM_001322219.2); short protein forms H136N, H174N, H175N.
Identifiers: ClinVar variation 3052794 (VCV003052794.2), dbSNP rs35270564, ClinGen allele CA8592327.

ClinVar aggregate classification (germline): Likely benign (0 of 4 stars; one submission).

Conditions:
ETV4-related disorder. Also called: ETV4-related condition.

Allele frequency attached by ClinVar (database versions not stated): ExAC 0.00156; 1000 Genomes Project 0.00080; ESP Exome Variant Server 0.00154; gnomAD exomes 0.00167; 1000 Genomes Project 30x 0.00078; TOPMed 0.00114; gnomAD 0.00116.
gnomAD v4.1: 2,630 of 1,613,402 alleles (0.16%); highest among the groups gnomAD compares: Non-Finnish European, 0.2%; 7 homozygotes.

Submission:

PreventionGenetics, part of Exact Sciences
Classification: Likely benign for ETV4-related condition. Last evaluated: 2024-09-07. Review status: no assertion criteria provided. Collection method: clinical testing. Allele origin: germline.
Comment: This variant is classified as likely benign based on ACMG/AMP sequence variant interpretation guidelines (Richards et al. 2015 PMID: 25741868, with internal and published modifications).